The following is an entry in ClinVar:

ClinVar aggregate classification (germline): Pathogenic (1 of 4 stars; one submission).

Conditions:
Legius syndrome. Identifiers: Orphanet 137605, MedGen C1969623, MONDO:0012669, OMIM 611431. Disease mechanism: loss of function.

Submission:

Labcorp Genetics (formerly Invitae), Labcorp
Classification: Pathogenic for Legius syndrome. Last evaluated: 2023-07-18. Review status: criteria provided, single submitter. Criteria: Invitae Variant Classification Sherloc (09022015). Collection method: clinical testing. Allele origin: germline.
Comment: This variant has not been reported in the literature in individuals affected with SPRED1-related conditions. This sequence change creates a premature translational stop signal (p.Pro33Serfs*25) in the SPRED1 gene. It is expected to result in an absent or disrupted protein product. Loss-of-function variants in SPRED1 are known to be pathogenic (PMID: 17704776). This variant is not present in population databases (gnomAD no frequency). For these reasons, this variant has been classified as Pathogenic.

Literature cited by the submitters: PubMed 17704776.

NM_152594.3(SPRED1):c.96_97insT (p.Pro33fs)

Gene: SPRED1 (sprouty related EVH1 domain containing 1; plus strand). Cytogenetic location: 15q14.
Variant type: Insertion.
Coding change: c.96_97insT on transcript NM_152594.3 (MANE Select); coding-DNA positions 96 to 97, T inserted.
Protein change: p.Pro33fs; shifts the reading frame from proline 33.
Molecular consequence: frameshift variant.
Genome position: GRCh38 VCF-style: chr15-38299436-A-AT. GRCh37 (hg19) VCF-style: chr15-38591637-A-AT.
Other names: short protein forms P33fs.
Identifiers: ClinVar variation 2744613 (VCV002744613.3), dbSNP rs2542660907, ClinGen allele CA2697554374.